The following is an entry in ClinVar:

NM_013432.5(TONSL):c.613C>T (p.Arg205Cys)

Gene: TONSL (tonsoku like, DNA repair protein; minus strand). Cytogenetic location: 8q24.3.
Variant type: single nucleotide variant.
Coding change: c.613C>T on transcript NM_013432.5 (MANE Select); coding-DNA position 613, C replaced by T.
Protein change: p.Arg205Cys; replaces arginine 205 with cysteine.
Molecular consequence: missense variant.
Genome position (GRCh38, 1-based): chr8:144,442,378, G>A on the plus strand (C>T on the coding strand, the complement: TONSL is on the minus strand). VCF-style: chr8-144442378-G-A. GRCh37 (hg19) VCF-style: chr8-145667761-G-A.
Other names: short protein forms R205C.
Identifiers: ClinVar variation 2843722 (VCV002843722.3), dbSNP rs754112199, ClinGen allele CA4943575.

ClinVar aggregate classification (germline): Uncertain significance (1 of 4 stars; one submission).

gnomAD v4.1: 11 of 1,575,584 alleles (0.0007%); highest among the groups gnomAD compares: Admixed American, 0.0035%; no homozygotes.

Submission:

Labcorp Genetics (formerly Invitae), Labcorp
Classification: Uncertain significance. Last evaluated: 2022-12-30. Review status: criteria provided, single submitter. Criteria: Invitae Variant Classification Sherloc (09022015). Collection method: clinical testing. Allele origin: germline.
Comment: In summary, the available evidence is currently insufficient to determine the role of this variant in disease. Therefore, it has been classified as a Variant of Uncertain Significance. Advanced modeling of protein sequence and biophysical properties (such as structural, functional, and spatial information, amino acid conservation, physicochemical variation, residue mobility, and thermodynamic stability) performed at Invitae indicates that this missense variant is expected to disrupt TONSL protein function. This variant has not been reported in the literature in individuals affected with TONSL-related conditions. This variant is present in population databases (rs754112199, gnomAD 0.005%). This sequence change replaces arginine, which is basic and polar, with cysteine, which is neutral and slightly polar, at codon 205 of the TONSL protein (p.Arg205Cys).